The following is an entry in ClinVar:

ClinVar aggregate classification (germline): Uncertain significance. Review status: reviewed by expert panel (3 of 4 stars). 2 submissions from 2 submitters: Uncertain significance (1). 1 of the submissions does not count toward it. Last evaluated 2025-08-01.

Conditions:
Malignant hyperthermia of anesthesia. Also called: Anesthesic-triggered malignant hyperthermia. Identifiers: Orphanet 423, MedGen C0024591, MONDO:0018493, HP:0034733.

Submissions (2):

ClinGen Malignant Hyperthermia Susceptibility Variant Curation Expert Panel, ClinGen
Classification: Uncertain significance for Malignant hyperthermia of anesthesia. Last evaluated: 2025-08-01. Review status: reviewed by expert panel. Criteria: ClinGen MHS ACMG Specifications V2. Collection method: curation. Allele origin: germline. Inheritance: Autosomal dominant inheritance.
Comment: This pathogenicity assessment is relevant only for malignant hyperthermia susceptibility (MHS) inherited in an autosomal dominant pattern. Variants in RYR1 can also cause other myopathies inherited in an autosomal dominant pattern or in an autosomal recessive pattern. Some of these disorders may predispose individuals to malignant hyperthermia. RYR1 variants may also contribute to a malignant hyperthermia reaction in combination with other genetic and non-genetic factors and the clinician needs to consider such factors in making management decisions. TThis sequence variant predicts a substitution of aspartic acid with glutamic acid at codon 4939 of the RYR1 protein, p.Asp4939Glu. This variant was not present in a large population database (gnomAD) at the time this variant was interpreted. This variant has been reported in three unrelated individuals who have a personal or family history of a malignant hyperthermia reaction, all of these individuals had a positive in vitro contracture test (IVCT) or caffeine halothane contracture test (CHCT) result (if the proband was unavailable for testing, a positive diagnostic test result in a mutation-positive relative was counted), however, two of these individuals had a likely pathogenic variant in RYR1 (p.Val2346Met) and were not considered for PS4, PS4_Supporting (PMID:23558838, PMID:30236257, PMID:16163667). No functional studies were identified for this variant. This variant resides in a region of RYR1 considered to be a hotspot for pathogenic variants that contribute to MHS, PM1_Sup (PMID: 21118704). A REVEL score of 0.808 supports neither a pathogenic nor a benign status for this variant. This variant has been classified as a Variant of Unknown Significance. Criteria implemented: PS4_Supporting, PM1_Sup.

RYR1 database
No classification provided. Review status: no classification provided. Collection method: not provided. Allele origin: unknown. Not counted in ClinVar's aggregate classification.

NM_000540.3(RYR1):c.14817C>A (p.Asp4939Glu)

Gene: RYR1 (ryanodine receptor 1; plus strand). Cytogenetic location: 19q13.2.
Variant type: single nucleotide variant.
Coding change: c.14817C>A on transcript NM_000540.3 (MANE Select); coding-DNA position 14817, C replaced by A.
Protein change: p.Asp4939Glu; replaces aspartic acid 4939 with glutamic acid.
Molecular consequence: missense variant.
Genome position (GRCh38, 1-based): chr19:38,585,951, C>A. VCF-style: chr19-38585951-C-A. GRCh37 (hg19) VCF-style: chr19-39076591-C-A.
Other names: NM_000540.2(RYR1):c.14817C>A; c.14802C>A, p.Asp4934Glu (NM_001042723.2); short protein forms D4939E, D4934E.
Identifiers: ClinVar variation 133093 (VCV000133093.4), dbSNP rs193922895, ClinGen allele CA024264.
Genomic context (GRCh38, chr19:38,585,951, plus strand): 5'-TGAACCAGGTCAGAGGTCGGGCACTGACTTGTGTCCTGCCACCCCAGGTCTGATCATCGA[C>A]GCTTTTGGTGAGCTCCGAGACCAACAAGAGCAAGTGAAGGAGGATATGGAGGTAGGTCAT-3'
Protein context (NP_000531.2, residues 4929-4949): LLAIIQGLII[Asp4939Glu]AFGELRDQQE